The following is an entry in ClinVar:

NM_001165963.4(SCN1A):c.140A>G (p.Asn47Ser)

Gene: SCN1A (sodium voltage-gated channel alpha subunit 1; minus strand). Cytogenetic location: 2q24.3.
Variant type: single nucleotide variant.
Coding change: c.140A>G on transcript NM_001165963.4 (MANE Select); coding-DNA position 140, A replaced by G.
Protein change: p.Asn47Ser; replaces asparagine 47 with serine.
Molecular consequence: missense variant. On other transcripts: 5 prime UTR variant (1), non-coding transcript variant (1).
Genome position (GRCh38, 1-based): chr2:166,073,482, T>C on the plus strand (A>G on the coding strand, the complement: SCN1A is on the minus strand). VCF-style: chr2-166073482-T-C. GRCh37 (hg19) VCF-style: chr2-166929992-T-C.
Other names: c.140A>G, p.Asn47Ser (NM_001165964.3, NM_001202435.3, NM_001353948.2 and 10 more transcripts); c.-2286A>G (NM_001353961.2); c.140A>G (NM_001165963.1); short protein forms N47S.
Identifiers: ClinVar variation 2040195 (VCV002040195.5), dbSNP rs1296134461, ClinGen allele CA349243068.
Genomic context (GRCh38, chr2:166,073,482, plus strand): 5'-TCTCCATAAATAAATGGAAGGTTCTTTCCAGCTTCCAAGTCACTATTTGGCTTTGGGCCA[T>C]TTTCGTCGTCATCTTTTTTGTCTGGTTTGGGATTCTTTGCCTTTTCTTCTGCAATGCGTC-3'
Protein context (NP_001159435.1, residues 37-57): PKPDKKDDDE[Asn47Ser]GPKPNSDLEA

ClinVar aggregate classification (germline): Uncertain significance. Review status: criteria provided, multiple submitters, no conflicts (2 of 4 stars). 2 submissions from 2 submitters: Uncertain significance (2). Last evaluated 2023-12-16.

Conditions:
Inborn genetic diseases. Identifiers: MedGen C0950123, MeSH D030342.
Early-infantile DEE. Also called: Early infantile epileptic encephalopathy with suppression bursts; Ohtahara syndrome; Early infantile epileptic encephalopathy. Identifiers: Orphanet 1934, MedGen C0393706, MONDO:0800491.

Allele frequency attached by ClinVar (database versions not stated): gnomAD exomes below 0.00001; gnomAD 0.00005; TOPMed 0.00005.
gnomAD v4.1: 12 of 1,614,088 alleles (0.00074%); highest among the groups gnomAD compares: African/African-American, 0.015%; no homozygotes.

Submissions (2):

Labcorp Genetics (formerly Invitae), Labcorp
Classification: Uncertain significance for Early-infantile DEE. Last evaluated: 2023-12-16. Review status: criteria provided, single submitter. Criteria: Invitae Variant Classification Sherloc (09022015). Collection method: clinical testing. Allele origin: germline.
Comment: This sequence change replaces asparagine, which is neutral and polar, with serine, which is neutral and polar, at codon 47 of the SCN1A protein (p.Asn47Ser). This variant is present in population databases (no rsID available, gnomAD 0.02%). This variant has not been reported in the literature in individuals affected with SCN1A-related conditions. ClinVar contains an entry for this variant (Variation ID: 2040195). Advanced modeling of protein sequence and biophysical properties (such as structural, functional, and spatial information, amino acid conservation, physicochemical variation, residue mobility, and thermodynamic stability) performed at Invitae indicates that this missense variant is not expected to disrupt SCN1A protein function with a negative predictive value of 95%. In summary, the available evidence is currently insufficient to determine the role of this variant in disease. Therefore, it has been classified as a Variant of Uncertain Significance.

Ambry Genetics
Classification: Uncertain significance for Inborn genetic diseases. Last evaluated: 2023-11-29. Review status: criteria provided, single submitter. Criteria: Ambry Variant Classification Scheme 2023. Collection method: clinical testing. Allele origin: germline.